The following is an entry in ClinVar:

ClinVar aggregate classification (germline): Uncertain significance (1 of 4 stars; one submission).

Conditions:
Joubert syndrome 21 (JBTS21). Identifiers: MedGen C3810212, MONDO:0014288, OMIM 615636.

Submission:

Labcorp Genetics (formerly Invitae), Labcorp
Classification: Uncertain significance for Joubert syndrome 21. Last evaluated: 2022-06-03. Review status: criteria provided, single submitter. Criteria: Invitae Variant Classification Sherloc (09022015). Collection method: clinical testing. Allele origin: germline.
Comment: This variant has not been reported in the literature in individuals affected with CSPP1-related conditions. In summary, the available evidence is currently insufficient to determine the role of this variant in disease. Therefore, it has been classified as a Variant of Uncertain Significance. Algorithms developed to predict the effect of missense changes on protein structure and function (SIFT, PolyPhen-2, Align-GVGD) all suggest that this variant is likely to be tolerated. ClinVar contains an entry for this variant (Variation ID: 1389940). This variant is not present in population databases (gnomAD no frequency). This sequence change replaces alanine, which is neutral and non-polar, with aspartic acid, which is acidic and polar, at codon 486 of the CSPP1 protein (p.Ala486Asp).

NM_001382391.1(CSPP1):c.1472C>A (p.Ala491Asp)

Gene: CSPP1 (centrosome and spindle pole associated protein 1; plus strand). Cytogenetic location: 8q13.2.
Variant type: single nucleotide variant.
Coding change: c.1472C>A on transcript NM_001382391.1 (MANE Select); coding-DNA position 1472, C replaced by A.
Protein change: p.Ala491Asp; replaces alanine 491 with aspartic acid.
Molecular consequence: missense variant.
Genome position (GRCh38, 1-based): chr8:67,116,098, C>A. VCF-style: chr8-67116098-C-A. GRCh37 (hg19) VCF-style: chr8-68028333-C-A.
Other names: c.575C>A, p.Ala192Asp (NM_001291339.2); c.1391C>A, p.Ala464Asp (NM_001363131.2); c.1430C>A, p.Ala477Asp (NM_001363132.2); c.1349C>A, p.Ala450Asp (NM_001363133.2); c.1538C>A, p.Ala513Asp (NM_001364869.1); c.1358C>A, p.Ala453Asp (NM_001364870.1); c.1457C>A, p.Ala486Asp (NM_024790.7); short protein forms A477D, A486D, A513D, A450D, A491D, A192D, A453D, A464D.
Identifiers: ClinVar variation 1389940 (VCV001389940.8), dbSNP rs2129550877, ClinGen allele CA371199276.
Genomic context (GRCh38, chr8:67,116,098, plus strand): 5'-TCCCATCAGTTCATCCTGTTCCTTCTCAAAATGAAGATTTGCGCAGTGGACTCAGCAGCG[C>A]CCTTGGTGAAATGGTGTCTCCCAGGTGCTTGTTTAAATGTTTTGTGTTTGGGAATTAGGT-3'
Protein context (NP_001369320.1, residues 481-501): NEDLRSGLSS[Ala491Asp]LGEMVSPRIA